The following is an entry in ClinVar:

ClinVar aggregate classification (germline): Uncertain significance (1 of 4 stars; one submission).

Conditions:
Epilepsy, childhood absence, susceptibility to, 5. Identifiers: Orphanet 64280, MedGen C2677087, MONDO:0012843, OMIM 612269.
Epilepsy, childhood absence, susceptibility to, 1. Also called: Epilepsy, childhood absence 1. Identifiers: Orphanet 64280, MedGen C1838604, MONDO:0020759, OMIM 600131.

Submission:

Labcorp Genetics (formerly Invitae), Labcorp
Classification: Uncertain significance for Epilepsy, childhood absence, susceptibility to, 5; Epilepsy, childhood absence, susceptibility to, 1. Last evaluated: 2021-11-08. Review status: criteria provided, single submitter. Criteria: Invitae Variant Classification Sherloc (09022015). Collection method: clinical testing. Allele origin: germline.
Comment: This sequence change replaces leucine, which is neutral and non-polar, with phenylalanine, which is neutral and non-polar, at codon 104 of the GABRB3 protein (p.Leu104Phe). This variant is not present in population databases (gnomAD no frequency). This variant has not been reported in the literature in individuals affected with GABRB3-related conditions. Advanced modeling of protein sequence and biophysical properties (such as structural, functional, and spatial information, amino acid conservation, physicochemical variation, residue mobility, and thermodynamic stability) performed at Invitae indicates that this missense variant is not expected to disrupt GABRB3 protein function. In summary, the available evidence is currently insufficient to determine the role of this variant in disease. Therefore, it has been classified as a Variant of Uncertain Significance.

NM_000814.6(GABRB3):c.310C>T (p.Leu104Phe)

Gene: GABRB3 (gamma-aminobutyric acid type A receptor subunit beta3; minus strand). Cytogenetic location: 15q12.
Variant type: single nucleotide variant.
Coding change: c.310C>T on transcript NM_000814.6 (MANE Select); coding-DNA position 310, C replaced by T.
Protein change: p.Leu104Phe; replaces leucine 104 with phenylalanine.
Molecular consequence: missense variant. On other transcripts: non-coding transcript variant (1).
Genome position (GRCh38, 1-based): chr15:26,621,465, G>A on the plus strand (C>T on the coding strand, the complement: GABRB3 is on the minus strand). VCF-style: chr15-26621465-G-A. GRCh37 (hg19) VCF-style: chr15-26866612-G-A.
Other names: c.55C>T, p.Leu19Phe (NM_001191320.2, NM_001278631.2); c.97C>T, p.Leu33Phe (NM_001191321.3); c.310C>T, p.Leu104Phe (NM_021912.5); short protein forms L104F, L33F, L19F.
Identifiers: ClinVar variation 1502359 (VCV001502359.6), dbSNP rs2140537193, ClinGen allele CA391461207.